The following is an entry in ClinVar:

NM_001318895.3(FHL2):c.109G>A (p.Ala37Thr)

Gene: FHL2 (four and a half LIM domains 2; minus strand). Cytogenetic location: 2q12.2.
Variant type: single nucleotide variant.
Coding change: c.109G>A on transcript NM_001318895.3 (MANE Select); coding-DNA position 109, G replaced by A.
Protein change: p.Ala37Thr; replaces alanine 37 with threonine.
Molecular consequence: missense variant. On other transcripts: 5 prime UTR variant (3).
Genome position (GRCh38, 1-based): chr2:105,386,408, C>T on the plus strand (G>A on the coding strand, the complement: FHL2 is on the minus strand). VCF-style: chr2-105386408-C-T. GRCh37 (hg19) VCF-style: chr2-106002865-C-T.
Other names: c.109G>A, p.Ala37Thr (NM_001039492.3, NM_001318894.1, NM_001318896.2 and 4 more transcripts); c.-59G>A (NM_001318897.2, NM_001318898.2); c.-338G>A (NM_001318899.2); c.109G>A (NM_201555.1); short protein forms A37T.
Identifiers: ClinVar variation 1056430 (VCV001056430.6), dbSNP rs74575749, ClinGen allele CA1814868.
Genomic context (GRCh38, chr2:105,386,408, plus strand): 5'-CCGCAGCAGGTACCTTGCAGTCACAGCCGATGGGCTTCCCACACTCCTCGCAGGTGTTGG[C>T]GAACAGGGTCTCAAAGCACACCACGCAGTAGGGGCTCTCCTCCCGCAGGATGTACTTCTT-3'
Protein context (NP_001305824.1, residues 27-47): YCVVCFETLF[Ala37Thr]NTCEECGKPI

ClinVar aggregate classification (germline): Uncertain significance. Review status: criteria provided, multiple submitters, no conflicts (2 of 4 stars). 2 submissions from 2 submitters: Uncertain significance (2). Last evaluated 2025-04-06.

Conditions:
Primary dilated cardiomyopathy (DCM). Also called: Dilated Cardiomyopathy. Identifiers: Orphanet 217604, MedGen C0007193, MeSH D002311, MONDO:0005021, HP:0001644. Inheritance: Various modes of inheritance.

gnomAD v4.1: 27 of 1,614,042 alleles (0.0017%); highest among the groups gnomAD compares: East Asian, 0.02%; no homozygotes.

Submissions (2):

Ambry Genetics
Classification: Uncertain significance. Last evaluated: 2025-04-06. Review status: criteria provided, single submitter. Criteria: Ambry Variant Classification Scheme 2023. Collection method: clinical testing. Allele origin: germline.

Labcorp Genetics (formerly Invitae), Labcorp
Classification: Uncertain significance for Primary dilated cardiomyopathy. Last evaluated: 2022-02-10. Review status: criteria provided, single submitter. Criteria: Invitae Variant Classification Sherloc (09022015). Collection method: clinical testing. Allele origin: germline.
Comment: In summary, the available evidence is currently insufficient to determine the role of this variant in disease. Therefore, it has been classified as a Variant of Uncertain Significance. Algorithms developed to predict the effect of missense changes on protein structure and function are either unavailable or do not agree on the potential impact of this missense change (SIFT: "Deleterious"; PolyPhen-2: "Benign"; Align-GVGD: "Class C0"). ClinVar contains an entry for this variant (Variation ID: 1056430). This variant is present in population databases (rs74575749, gnomAD 0.05%), and has an allele count higher than expected for a pathogenic variant. This sequence change replaces alanine, which is neutral and non-polar, with threonine, which is neutral and polar, at codon 37 of the FHL2 protein (p.Ala37Thr). This variant has not been reported in the literature in individuals affected with FHL2-related conditions.